The following is an entry in ClinVar:

ClinVar aggregate classification (germline): Pathogenic (1 of 4 stars; one submission).

Submission:

Labcorp Genetics (formerly Invitae), Labcorp
Classification: Pathogenic. Last evaluated: 2025-05-19. Review status: criteria provided, single submitter. Criteria: Invitae Variant Classification Sherloc (09022015). Collection method: clinical testing. Allele origin: germline.
Comment: This sequence change creates a premature translational stop signal (p.Lys896Serfs*101) in the ZNF469 gene. It is expected to result in an absent or disrupted protein product. Loss-of-function variants in ZNF469 are known to be pathogenic (PMID: 23642083, 23680354). This variant is not present in population databases (gnomAD no frequency). This variant has not been reported in the literature in individuals affected with ZNF469-related conditions. For these reasons, this variant has been classified as Pathogenic.

Literature cited by the submitters: PubMed 23642083; PubMed 23680354.

NM_001367624.2(ZNF469):c.2686_2690del (p.Lys896fs)

Gene: ZNF469 (zinc finger protein 469; plus strand). Cytogenetic location: 16q24.2.
Variant type: Deletion.
Coding change: c.2686_2690del on transcript NM_001367624.2 (MANE Select); coding-DNA positions 2686 to 2690, 5 bases deleted (AAAGC; older notation c.2686_2690delAAAGC).
Protein change: p.Lys896fs; shifts the reading frame from lysine 896.
Molecular consequence: frameshift variant.
Genome position (GRCh38, 1-based): chr16:88,430,156-88,430,160, AAAGC deleted; deleting any 5 consecutive bases within chr16:88,430,153-88,430,160 gives the same sequence; the c. name uses the placement nearest the transcript's 3' end. VCF-style (leftmost placement, unchanged base first): chr16-88430152-GAGCAA-G. GRCh37 (hg19) VCF-style: chr16-88496560-GAGCAA-G.
Other names: short protein forms K896fs.
Identifiers: ClinVar variation 4719887 (VCV004719887.1).